The following is an entry in ClinVar:

NM_001854.4(COL11A1):c.2339A>C (p.Lys780Thr)

Gene: COL11A1 (collagen type XI alpha 1 chain; minus strand). Cytogenetic location: 1p21.1.
Variant type: single nucleotide variant.
Coding change: c.2339A>C on transcript NM_001854.4 (MANE Select); coding-DNA position 2339, A replaced by C.
Protein change: p.Lys780Thr; replaces lysine 780 with threonine.
Molecular consequence: missense variant. On other transcripts: non-coding transcript variant (1).
Genome position (GRCh38, 1-based): chr1:102,995,865, T>G on the plus strand (A>C on the coding strand, the complement: COL11A1 is on the minus strand). VCF-style: chr1-102995865-T-G. GRCh37 (hg19) VCF-style: chr1-103461421-T-G.
Other names: c.2222A>C, p.Lys741Thr (NM_001190709.2); c.2375A>C, p.Lys792Thr (NM_080629.3); c.1991A>C, p.Lys664Thr (NM_080630.4); short protein forms K664T, K792T, K741T, K780T.
Identifiers: ClinVar variation 3698610 (VCV003698610.2).

ClinVar aggregate classification (germline): Uncertain significance (1 of 4 stars; one submission).

Submission:

Labcorp Genetics (formerly Invitae), Labcorp
Classification: Uncertain significance. Last evaluated: 2024-10-14. Review status: criteria provided, single submitter. Criteria: Invitae Variant Classification Sherloc (09022015). Collection method: clinical testing. Allele origin: germline.
Comment: This sequence change replaces lysine, which is basic and polar, with threonine, which is neutral and polar, at codon 780 of the COL11A1 protein (p.Lys780Thr). This variant is not present in population databases (gnomAD no frequency). This variant has not been reported in the literature in individuals affected with COL11A1-related conditions. Experimental studies and prediction algorithms are not available or were not evaluated, and the functional significance of this variant is currently unknown. Algorithms developed to predict the effect of sequence changes on RNA splicing suggest that this variant may disrupt the consensus splice site. In summary, the available evidence is currently insufficient to determine the role of this variant in disease. Therefore, it has been classified as a Variant of Uncertain Significance.